The following is an entry in ClinVar:

ClinVar aggregate classification (germline): Pathogenic (1 of 4 stars; one submission).

Conditions:
Rare genetic deafness. Identifiers: Orphanet 96210, MedGen C5680250.

Submission:

Laboratory for Molecular Medicine, Mass General Brigham Personalized Medicine
Classification: Pathogenic for Rare genetic deafness. Last evaluated: 2013-10-29. Review status: criteria provided, single submitter. Criteria: LMM Criteria. Collection method: clinical testing. Allele origin: germline. Inheritance: Autosomal recessive inheritance. Observed: 1 variant allele.
Comment: The Gln95fs variant in GIPC3 has not been reported in individuals with hearing l oss or in large population studies. This frameshift variant is predicted to alte r the protein?s amino acid sequence beginning at position 95 and lead to a prema ture termination codon 17 amino acids downstream. This alteration is then predic ted to lead to a truncated or absent protein. In summary, this variant meets ou r criteria to be classified as pathogenic.

NC_000019.10:g.3586548_3586564del

Gene: GIPC3 (GIPC PDZ domain containing family member 3; plus strand). Cytogenetic location: 19p13.3.
Variant type: Deletion.
Genome position: GRCh38 VCF-style: chr19-3586545-GGGGGGTCAGATAGGCCT-G. GRCh37 (hg19) VCF-style: chr19-3586543-GGGGGGTCAGATAGGCCT-G.
Other names: c.279_295del, p.Gln95fs (NM_133261.3); short protein forms Q95fs.
Identifiers: ClinVar variation 179296 (VCV000179296.4), dbSNP rs727504771, ClinGen allele CA184146.
Genomic context (GRCh38, chr19:3,586,545, plus strand): 5'-CCCCGGGAAGATTTTATTCTGCACCCTCAACAGCCACAAAGTGGACATGCAGAAGCTCCT[GGGGGGTCAGATAGGCCT>G]GGAGGACTTCATCTTTGCCCACGTGCGAGGCGAGACCAAGGAGGTGGAGGTCACTAAGAC-3'